The following is an entry in ClinVar:

NM_000548.5(TSC2):c.3611-9C>T

Gene: TSC2 (TSC complex subunit 2; plus strand). Cytogenetic location: 16p13.3.
Variant type: single nucleotide variant.
Coding change: c.3611-9C>T on transcript NM_000548.5 (MANE Select); 9 bases into the intron before coding-DNA position 3611, C replaced by T.
Molecular consequence: intron variant.
Genome position (GRCh38, 1-based): chr16:2,081,586, C>T. VCF-style: chr16-2081586-C-T. GRCh37 (hg19) VCF-style: chr16-2131587-C-T.
Other names: c.3482-9C>T (NM_001363528.2, NM_021055.3, NM_001370405.1); c.3479-9C>T (NM_001370404.1, NM_001077183.3); c.3371-9C>T (NM_001318827.2); c.2879-9C>T (NM_001318831.2); c.3335-9C>T (NM_001318829.2); c.3512-9C>T (NM_001318832.2); c.3611-9C>T (NM_001114382.3).
Identifiers: ClinVar variation 49267 (VCV000049267.12), dbSNP rs45517304, ClinGen allele CA019379.

ClinVar aggregate classification (germline): Conflicting classifications of pathogenicity. Review status: criteria provided, conflicting classifications (1 of 4 stars). 4 submissions from 4 submitters: Uncertain significance (1); Likely benign (2). 1 of the submissions does not count toward it. Last evaluated 2026-01-12.

Conditions:
Tuberous sclerosis 2 (TSC2). Identifiers: Orphanet 805, MedGen C1860707, MONDO:0013199, OMIM 613254.
Tuberous sclerosis syndrome (TSC). Also called: Tuberous Sclerosis Complex; Tuberous sclerosis. Identifiers: Orphanet 805, MedGen C0041341, MONDO:0001734.

Allele frequency attached by ClinVar (database versions not stated): gnomAD exomes 0.00001; TOPMed 0.00001.
gnomAD v4.1: 5 of 1,612,868 alleles (0.00031%); highest among the groups gnomAD compares: Non-Finnish European, 0.00034%; no homozygotes.

Submissions (4):

Labcorp Genetics (formerly Invitae), Labcorp
Classification: Likely benign for Tuberous sclerosis 2. Last evaluated: 2026-01-12. Review status: criteria provided, single submitter. Criteria: Invitae Variant Classification Sherloc (09022015). Collection method: clinical testing. Allele origin: germline.

Myriad Genetics, Inc.
Classification: Likely benign for Tuberous sclerosis 2. Last evaluated: 2025-05-30. Review status: criteria provided, single submitter. Criteria: Myriad Autosomal Dominant, Autosomal Recessive and X-Linked Classification Criteria (2023). Collection method: clinical testing. Allele origin: unknown.
Comment: This variant is considered likely benign. This variant is intronic and is not expected to impact mRNA splicing.

Quest Diagnostics Nichols Institute San Juan Capistrano
Classification: Uncertain significance. Last evaluated: 2024-11-06. Review status: criteria provided, single submitter. Criteria: Quest Diagnostics criteria. Collection method: clinical testing. Allele origin: unknown.
Comment: The TSC2 c.3611-9C>T variant has been reported as a novel polymorphism in the published literature (PMID: 16114042 (2005)). It has not been reported in large, multi-ethnic general populations (Genome Aggregation Database). Analysis of this variant using software algorithms for the prediction of the effect of nucleotide changes on splicing yielded predictions that this variant does not affect TSC2 mRNA splicing. Based on the available information, we are unable to determine the clinical significance of this variant.

Tuberous sclerosis database (TSC2)
No classification provided. Condition: TSC. Review status: no classification provided. Criteria: Tuberous Sclerosis Database Assertion Criteria 2015. Collection method: curation. Allele origin: germline. Affected: yes. Not counted in ClinVar's aggregate classification.

Literature cited by the submitters: PubMed 16114042 (cited by Quest Diagnostics Nichols Institute San Juan Capistrano).